The following is an entry in ClinVar:

ClinVar aggregate classification (germline): Likely benign (0 of 4 stars; one submission).

Conditions:
PROZ-related disorder. Also called: PROZ-related condition.

Allele frequency attached by ClinVar (database versions not stated): TOPMed 0.00002; gnomAD 0.00018; ExAC 0.00175; 1000 Genomes Project 30x 0.00203; 1000 Genomes Project 0.00220.
gnomAD v4.1: 488 of 1,553,860 alleles (0.031%); highest among the groups gnomAD compares: South Asian, 0.54%; 8 homozygotes.

Submission:

PreventionGenetics, part of Exact Sciences
Classification: Likely benign for PROZ-related condition. Last evaluated: 2021-01-11. Review status: no assertion criteria provided. Collection method: clinical testing. Allele origin: germline.
Comment: This variant is classified as likely benign based on ACMG/AMP sequence variant interpretation guidelines (Richards et al. 2015 PMID: 25741868, with internal and published modifications).

NM_003891.3(PROZ):c.268C>G (p.Pro90Ala)

Gene: PROZ (protein Z, vitamin K dependent plasma glycoprotein; plus strand). Cytogenetic location: 13q34.
Variant type: single nucleotide variant.
Coding change: c.268C>G on transcript NM_003891.3 (MANE Select); coding-DNA position 268, C replaced by G.
Protein change: p.Pro90Ala; replaces proline 90 with alanine.
Molecular consequence: missense variant.
Genome position (GRCh38, 1-based): chr13:113,163,017, C>G. VCF-style: chr13-113163017-C-G. GRCh37 (hg19) VCF-style: chr13-113817331-C-G.
Other names: c.334C>G, p.Pro112Ala (NM_001256134.2); short protein forms P112A, P90A.
Identifiers: ClinVar variation 3047135 (VCV003047135.2), dbSNP rs372086805, ClinGen allele CA7060900.